The following is an entry in ClinVar:

ClinVar aggregate classification (germline): Uncertain significance (1 of 4 stars; one submission).

Conditions:
Agammaglobulinemia 4, autosomal recessive (AGM4). Also called: B cell linker protein deficiency; AGAMMAGLOBULINEMIA, AUTOSOMAL RECESSIVE, DUE TO BLNK DEFECT. Identifiers: MedGen C3150752, MONDO:0013289, OMIM 613502.

Allele frequency attached by ClinVar (database versions not stated): gnomAD 0.00001; gnomAD exomes 0.00001.
gnomAD v4.1: 10 of 1,613,554 alleles (0.00062%); highest among the groups gnomAD compares: Non-Finnish European, 0.00085%; no homozygotes.

Submission:

Labcorp Genetics (formerly Invitae), Labcorp
Classification: Uncertain significance for Agammaglobulinemia 4, autosomal recessive. Last evaluated: 2025-07-14. Review status: criteria provided, single submitter. Criteria: Invitae Variant Classification Sherloc (09022015). Collection method: clinical testing. Allele origin: germline.
Comment: This sequence change replaces glutamic acid, which is acidic and polar, with glycine, which is neutral and non-polar, at codon 145 of the BLNK protein (p.Glu145Gly). This variant is present in population databases (no rsID available, gnomAD 0.007%). This variant has not been reported in the literature in individuals affected with BLNK-related conditions. ClinVar contains an entry for this variant (Variation ID: 1022366). Invitae Evidence Modeling of protein sequence and biophysical properties (such as structural, functional, and spatial information, amino acid conservation, physicochemical variation, residue mobility, and thermodynamic stability) indicates that this missense variant is not expected to disrupt BLNK protein function with a negative predictive value of 80%. In summary, the available evidence is currently insufficient to determine the role of this variant in disease. Therefore, it has been classified as a Variant of Uncertain Significance.

NM_013314.4(BLNK):c.434A>G (p.Glu145Gly)

Gene: BLNK (B cell linker; minus strand). Cytogenetic location: 10q24.1.
Variant type: single nucleotide variant.
Coding change: c.434A>G on transcript NM_013314.4 (MANE Select); coding-DNA position 434, A replaced by G.
Protein change: p.Glu145Gly; replaces glutamic acid 145 with glycine.
Molecular consequence: missense variant. On other transcripts: non-coding transcript variant (1), intron variant (1).
Genome position (GRCh38, 1-based): chr10:96,223,917, T>C on the plus strand (A>G on the coding strand, the complement: BLNK is on the minus strand). VCF-style: chr10-96223917-T-C. GRCh37 (hg19) VCF-style: chr10-97983673-T-C.
Other names: c.434A>G, p.Glu145Gly (NM_001114094.2, NM_001258440.2, NM_001258441.2); c.349+3505A>G (NM_001258442.2); short protein forms E145G.
Identifiers: ClinVar variation 1022366 (VCV001022366.8), dbSNP rs1554901814, ClinGen allele CA377724625.